The following is an entry in ClinVar:

ClinVar aggregate classification (germline): Likely benign. Review status: criteria provided, single submitter (1 of 4 stars). 2 submissions from 2 submitters: Likely benign (1). 1 of the submissions does not count toward it. Last evaluated 2023-04-01.

Conditions:
MUC16-related disorder. Also called: MUC16-related condition.

Allele frequency attached by ClinVar (database versions not stated): ESP Exome Variant Server 0.00016; TOPMed 0.00026; gnomAD 0.00038; gnomAD exomes 0.00038; ExAC 0.00063; 1000 Genomes Project 30x 0.00094; 1000 Genomes Project 0.00100.

Submissions (2):

CeGaT Center for Human Genetics Tuebingen
Classification: Likely benign. Last evaluated: 2023-04-01. Review status: criteria provided, single submitter. Criteria: CeGaT Center For Human Genetics Tuebingen Variant Classification Criteria Version 2. Collection method: clinical testing. Allele origin: germline. Affected: yes. Observed: 1 variant allele.
Comment: MUC16: BP4

PreventionGenetics, part of Exact Sciences
Classification: Likely benign for MUC16-related condition. Last evaluated: 2023-04-08. Review status: no assertion criteria provided. Collection method: clinical testing. Allele origin: germline. Not counted in ClinVar's aggregate classification.
Comment: This variant is classified as likely benign based on ACMG/AMP sequence variant interpretation guidelines (Richards et al. 2015 PMID: 25741868, with internal and published modifications).

NM_001401501.2(MUC16):c.598G>A (p.Glu200Lys)

Gene: MUC16 (mucin 16, cell surface associated; minus strand). Cytogenetic location: 19p13.2.
Variant type: single nucleotide variant.
Coding change: c.598G>A on transcript NM_001401501.2 (MANE Select); coding-DNA position 598, G replaced by A.
Protein change: p.Glu200Lys; replaces glutamic acid 200 with lysine.
Molecular consequence: missense variant.
Genome position (GRCh38, 1-based): chr19:8,980,661, C>T on the plus strand (G>A on the coding strand, the complement: MUC16 is on the minus strand). VCF-style: chr19-8980661-C-T. GRCh37 (hg19) VCF-style: chr19-9091337-C-T.
Other names: c.1024G>A, p.Glu342Lys (NM_001414686.1); c.478G>A, p.Glu160Lys (NM_001414687.1, NM_024690.2); short protein forms E160K, E200K, E342K.
Identifiers: ClinVar variation 2649273 (VCV002649273.25), dbSNP rs199922056, ClinGen allele CA9173589.